The following is an entry in ClinVar:

ClinVar aggregate classification (germline): Uncertain significance (1 of 4 stars; one submission).

Allele frequency attached by ClinVar (database versions not stated): TOPMed below 0.00001; ExAC 0.00001; gnomAD exomes 0.00001.
gnomAD v4.1: 11 of 1,602,460 alleles (0.00069%); highest among the groups gnomAD compares: Admixed American, 0.0051%; no homozygotes.

Submission:

Labcorp Genetics (formerly Invitae), Labcorp
Classification: Uncertain significance. Last evaluated: 2022-08-12. Review status: criteria provided, single submitter. Criteria: Invitae Variant Classification Sherloc (09022015). Collection method: clinical testing. Allele origin: germline.
Comment: In summary, the available evidence is currently insufficient to determine the role of this variant in disease. Therefore, it has been classified as a Variant of Uncertain Significance. Algorithms developed to predict the effect of missense changes on protein structure and function are either unavailable or do not agree on the potential impact of this missense change (SIFT: "Tolerated"; PolyPhen-2: "Not Available"; Align-GVGD: "Class C0"). ClinVar contains an entry for this variant (Variation ID: 1394803). This variant has not been reported in the literature in individuals affected with PCLO-related conditions. This variant is present in population databases (rs778545849, gnomAD 0.009%). This sequence change replaces arginine, which is basic and polar, with glutamine, which is neutral and polar, at codon 882 of the PCLO protein (p.Arg882Gln).

NM_033026.6(PCLO):c.2645G>A (p.Arg882Gln)

Gene: PCLO (piccolo presynaptic cytomatrix protein; minus strand). Cytogenetic location: 7q21.11.
Variant type: single nucleotide variant.
Coding change: c.2645G>A on transcript NM_033026.6 (MANE Select); coding-DNA position 2645, G replaced by A.
Protein change: p.Arg882Gln; replaces arginine 882 with glutamine.
Molecular consequence: missense variant.
Genome position (GRCh38, 1-based): chr7:83,134,905, C>T on the plus strand (G>A on the coding strand, the complement: PCLO is on the minus strand). VCF-style: chr7-83134905-C-T. GRCh37 (hg19) VCF-style: chr7-82764221-C-T.
Other names: c.2645G>A, p.Arg882Gln (NM_014510.3); short protein forms R882Q.
Identifiers: ClinVar variation 1394803 (VCV001394803.4), dbSNP rs778545849, ClinGen allele CA4321233.